The following is an entry in ClinVar:

NM_001038603.3(MARVELD2):c.563C>T (p.Ser188Leu)

Gene: MARVELD2 (MARVEL domain containing 2; plus strand). Cytogenetic location: 5q13.2.
Variant type: single nucleotide variant.
Coding change: c.563C>T on transcript NM_001038603.3 (MANE Select); coding-DNA position 563, C replaced by T.
Protein change: p.Ser188Leu; replaces serine 188 with leucine.
Molecular consequence: missense variant.
Genome position (GRCh38, 1-based): chr5:69,419,948, C>T. VCF-style: chr5-69419948-C-T. GRCh37 (hg19) VCF-style: chr5-68715775-C-T.
Other names: c.563C>T, p.Ser188Leu (NM_001244734.2); short protein forms S188L.
Identifiers: ClinVar variation 3893422 (VCV003893422.2).

ClinVar aggregate classification (germline): Uncertain significance. Review status: criteria provided, multiple submitters, no conflicts (2 of 4 stars). 2 submissions from 2 submitters: Uncertain significance (2). Last evaluated 2024-10-23.

gnomAD v4.1: 7 of 1,614,004 alleles (0.00043%); highest among the groups gnomAD compares: African/African-American, 0.0053%; no homozygotes.

Submissions (2):

GeneDx
Classification: Uncertain significance. Last evaluated: 2024-10-23. Review status: criteria provided, single submitter. Criteria: GeneDx Variant Classification Process June 2021. Collection method: clinical testing. Allele origin: germline. Affected: yes.
Comment: In silico analysis supports that this missense variant has a deleterious effect on protein structure/function; Has not been previously published as pathogenic or benign to our knowledge

Blueprint Genetics
Classification: Uncertain significance. Last evaluated: 2022-08-23. Review status: criteria provided, single submitter. Criteria: ACMG Guidelines, 2015. Collection method: clinical testing. Allele origin: germline.